The following is an entry in ClinVar:

NM_003072.5(SMARCA4):c.1759A>G (p.Lys587Glu)

Gene: SMARCA4 (SWI/SNF related BAF chromatin remodeling complex subunit ATPase 4; plus strand). Cytogenetic location: 19p13.2.
Variant type: single nucleotide variant.
Coding change: c.1759A>G on transcript NM_003072.5 (MANE Select); coding-DNA position 1759, A replaced by G.
Protein change: p.Lys587Glu; replaces lysine 587 with glutamic acid.
Molecular consequence: missense variant. On other transcripts: non-coding transcript variant (1).
Genome position (GRCh38, 1-based): chr19:10,996,378, A>G. VCF-style: chr19-10996378-A-G. GRCh37 (hg19) VCF-style: chr19-11107054-A-G.
Other names: c.1759A>G, p.Lys587Glu (NM_001128844.3, NM_001128845.2, NM_001128846.2 and 6 more transcripts); short protein forms K587E.
Identifiers: ClinVar variation 2737149 (VCV002737149.3), dbSNP rs2514301504, ClinGen allele CA404064651.

ClinVar aggregate classification (germline): Uncertain significance (1 of 4 stars; one submission).

Conditions:
Rhabdoid tumor predisposition syndrome 2 (RTPS2). Identifiers: Orphanet 231108, Orphanet 69077, MedGen C2750074, MONDO:0013224, OMIM 613325.

Allele frequency attached by ClinVar (database versions not stated): gnomAD exomes below 0.00001.
gnomAD v4.1: 2 of 1,614,226 alleles (0.00012%); highest among the groups gnomAD compares: Non-Finnish European, 0.00017%; no homozygotes.

Submission:

Labcorp Genetics (formerly Invitae), Labcorp
Classification: Uncertain significance for Rhabdoid tumor predisposition syndrome 2. Last evaluated: 2023-07-07. Review status: criteria provided, single submitter. Criteria: Invitae Variant Classification Sherloc (09022015). Collection method: clinical testing. Allele origin: germline.
Comment: In summary, the available evidence is currently insufficient to determine the role of this variant in disease. Therefore, it has been classified as a Variant of Uncertain Significance. An algorithm developed to predict the effect of missense changes on protein structure and function (PolyPhen-2) suggests that this variant is likely to be tolerated. This variant has not been reported in the literature in individuals affected with SMARCA4-related conditions. This variant is not present in population databases (gnomAD no frequency). This sequence change replaces lysine, which is basic and polar, with glutamic acid, which is acidic and polar, at codon 587 of the SMARCA4 protein (p.Lys587Glu).